The following is an entry in ClinVar:

ClinVar aggregate classification (germline): Uncertain significance (1 of 4 stars; one submission).

Submission:

GeneDx
Classification: Uncertain significance. Last evaluated: 2020-01-29. Review status: criteria provided, single submitter. Criteria: GeneDx Variant Classification Process June 2021. Collection method: clinical testing. Allele origin: germline. Affected: yes.
Comment: Not observed in large population cohorts (Lek et al., 2016); In silico analysis, which includes protein predictors and evolutionary conservation, supports a deleterious effect; Identified in a patient with bilateral preaxial polydactyly of the hands and feet, widely spaced eyes, and macrosoma as well as the patient's father with broad thumbs and sister with bilateral preaxial polydactyly of the feet, syndactyly, and widely spaced eyes in the published literature (Demurger et al., 2015); This variant is associated with the following publications: (PMID: 24736735)

NM_000168.6(GLI3):c.1786C>T (p.His596Tyr)

Gene: GLI3 (GLI family zinc finger 3; minus strand). Cytogenetic location: 7p14.1.
Variant type: single nucleotide variant.
Coding change: c.1786C>T on transcript NM_000168.6 (MANE Select); coding-DNA position 1786, C replaced by T.
Protein change: p.His596Tyr; replaces histidine 596 with tyrosine.
Molecular consequence: missense variant.
Genome position (GRCh38, 1-based): chr7:41,977,584, G>A on the plus strand (C>T on the coding strand, the complement: GLI3 is on the minus strand). VCF-style: chr7-41977584-G-A. GRCh37 (hg19) VCF-style: chr7-42017183-G-A.
Other names: short protein forms H596Y.
Identifiers: ClinVar variation 1303141 (VCV001303141.2), dbSNP rs2128712243, ClinGen allele CA367324426.